The following is an entry in ClinVar:

NM_000535.7(PMS2):c.2329A>T (p.Thr777Ser)

Gene: PMS2 (PMS1 homolog 2, mismatch repair system component; minus strand). Cytogenetic location: 7p22.1.
Variant type: single nucleotide variant.
Coding change: c.2329A>T on transcript NM_000535.7 (MANE Select); coding-DNA position 2329, A replaced by T.
Protein change: p.Thr777Ser; replaces threonine 777 with serine.
Molecular consequence: missense variant. On other transcripts: non-coding transcript variant (1).
Genome position (GRCh38, 1-based): chr7:5,977,704, T>A on the plus strand (A>T on the coding strand, the complement: PMS2 is on the minus strand). VCF-style: chr7-5977704-T-A. GRCh37 (hg19) VCF-style: chr7-6017335-T-A.
Other names: c.1924A>T, p.Thr642Ser (NM_001322003.2, NM_001322004.2, NM_001322005.2 and 11 more transcripts); c.2173A>T, p.Thr725Ser (NM_001322006.2); c.2011A>T, p.Thr671Ser (NM_001322007.2, NM_001322008.2, NM_001406883.1); c.1957A>T, p.Thr653Ser (NM_001322009.2, NM_001406887.1, NM_001406888.1); c.1768A>T, p.Thr590Ser (NM_001322010.2, NM_001406906.1, NM_001406907.1); c.1396A>T, p.Thr466Ser (NM_001322011.2, NM_001322012.2); c.1756A>T, p.Thr586Ser (NM_001322013.2, NM_001406908.1, NM_001406909.1); c.2362A>T, p.Thr788Ser (NM_001322014.2); and 20 more; short protein forms T466S, T520S, T682S, T725S, T785S, T788S, T839S, T538S.
Identifiers: ClinVar variation 3890963 (VCV003890963.1).

ClinVar aggregate classification (germline): Uncertain significance (1 of 4 stars; one submission).

Conditions:
Hereditary cancer-predisposing syndrome. Also called: Tumor predisposition; Neoplastic Syndromes, Hereditary; Hereditary Cancer Syndrome; Hereditary neoplastic syndrome. Identifiers: Orphanet 140162, MedGen C0027672, MeSH D009386, MONDO:0015356.

Submission:

Ambry Genetics
Classification: Uncertain significance for Hereditary cancer-predisposing syndrome. Last evaluated: 2024-12-12. Review status: criteria provided, single submitter. Criteria: Ambry Variant Classification Scheme 2023. Collection method: clinical testing. Allele origin: germline.
Comment: The p.T777S variant (also known as c.2329A>T), located in coding exon 14 of the PMS2 gene, results from an A to T substitution at nucleotide position 2329. The threonine at codon 777 is replaced by serine, an amino acid with similar properties. This amino acid position is conserved. In addition, the in silico prediction for this alteration is inconclusive. Based on the available evidence, the clinical significance of this variant remains unclear.